The following is an entry in ClinVar:

NM_001379200.1(TBX1):c.1385ACC[3] (p.His465_His466del)

Gene: TBX1 (T-box transcription factor 1; plus strand). Cytogenetic location: 22q11.21.
Variant type: Microsatellite.
Coding change: c.1385ACC[3] on transcript NM_001379200.1 (MANE Select); three copies in a row of the 3-base unit ACC starting at c.1385; the reference has five copies in a row; two copies, 6 bases deleted.
Protein change: p.His465_His466del.
Molecular consequence: inframe deletion. On other transcripts: intron variant (2).
Genome position (GRCh38, 1-based): chr22:19,766,746-19,766,751, ACCACC deleted; deleting any 6 consecutive bases within chr22:19,766,736-19,766,751 gives the same sequence; the position shown is the placement nearest the transcript's 3' end. VCF-style (leftmost placement, unchanged base first): chr22-19766735-GCACCAC-G. GRCh37 (hg19) VCF-style: chr22-19754258-GCACCAC-G.
Other names: c.1358ACC[3], p.His456_His457del (NM_080647.1); c.1009+734CAC[3] (NM_005992.1, NM_080646.2).
Identifiers: ClinVar variation 1505391 (VCV001505391.9), dbSNP rs753713234, ClinGen allele CA10102734.

ClinVar aggregate classification (germline): Uncertain significance. Review status: criteria provided, multiple submitters, no conflicts (2 of 4 stars). 2 submissions from 2 submitters: Uncertain significance (2). Last evaluated 2025-09-02.

Conditions:
DiGeorge syndrome. Also called: Catch22; THIRD AND FOURTH PHARYNGEAL POUCH SYNDROME. Identifiers: Orphanet 567, MedGen C0012236, MONDO:0008564, OMIM 188400.

Submissions (2):

Labcorp Genetics (formerly Invitae), Labcorp
Classification: Uncertain significance for DiGeorge syndrome. Last evaluated: 2025-09-02. Review status: criteria provided, single submitter. Criteria: Invitae Variant Classification Sherloc (09022015). Collection method: clinical testing. Allele origin: germline.
Comment: This variant, c.1367_1372del, results in the deletion of 2 amino acid(s) of the TBX1 protein (p.His456_His457del), but otherwise preserves the integrity of the reading frame. This variant is present in population databases (rs753713234, gnomAD 0.01%). This variant has not been reported in the literature in individuals affected with TBX1-related conditions. Experimental studies and prediction algorithms are not available or were not evaluated, and the functional significance of this variant is currently unknown. In summary, the available evidence is currently insufficient to determine the role of this variant in disease. Therefore, it has been classified as a Variant of Uncertain Significance.

Breakthrough Genomics
Classification: Uncertain significance. Review status: criteria provided, single submitter. Criteria: ACMG Guidelines, 2015. Collection method: not provided. Allele origin: germline. Inheritance: Autosomal dominant inheritance. Affected: yes.